The following is an entry in ClinVar:

ClinVar aggregate classification (germline): Uncertain significance (1 of 4 stars; one submission).

Conditions:
Hereditary cancer-predisposing syndrome. Also called: Neoplastic Syndromes, Hereditary; Tumor predisposition; Hereditary Cancer Syndrome; Hereditary neoplastic syndrome. Identifiers: Orphanet 140162, MedGen C0027672, MeSH D009386, MONDO:0015356.

Submission:

Ambry Genetics
Classification: Uncertain significance for Hereditary cancer-predisposing syndrome. Last evaluated: 2026-02-10. Review status: criteria provided, single submitter. Criteria: Ambry Variant Classification Scheme 2023. Collection method: clinical testing. Allele origin: germline.
Comment: The c.1573_1641dup69 variant (also known as p.N525_L547dup), located in coding exon 15 of the POLE gene, results from an in-frame duplication of 69 nucleotides at nucleotide positions 1573 to 1641. This results in the duplication of 23 extra residues (NKLTDDGHVLDSETYVGGHVEAL) between codons 525 and 547. This amino acid region is well conserved in available vertebrate species. Based on the available evidence, the clinical significance of this variant remains unclear.

NM_006231.4(POLE):c.1573_1641dup (p.Leu547_Glu548insAsnLysLeuThrAspAspGlyHisValLeuAspSerGluThrTyrValGlyGlyHisValGluAlaLeu)

Gene: POLE (DNA polymerase epsilon, catalytic subunit; minus strand). Cytogenetic location: 12q24.33.
Variant type: Duplication.
Coding change: c.1573_1641dup on transcript NM_006231.4 (MANE Select); coding-DNA positions 1573 to 1641, 69 bases duplicated.
Protein change: p.Leu547_Glu548insAsnLysLeuThrAspAspGlyHisValLeuAspSerGluThrTyrValGlyGlyHisValGluAlaLeu.
Genome position (GRCh38, 1-based): chr12:132,672,672-132,672,740, 69 bases duplicated. GRCh37 (hg19): chr12:133,249,260-133,249,328.
Identifiers: ClinVar variation 4844268 (VCV004844268.1).